The following is an entry in ClinVar:

ClinVar aggregate classification (germline): Uncertain significance (1 of 4 stars; one submission).

gnomAD v4.1: 13 of 1,613,414 alleles (0.00081%); highest among the groups gnomAD compares: Middle Eastern, 0.033%; 1 homozygote.

Submission:

GeneDx
Classification: Uncertain significance. Last evaluated: 2025-08-15. Review status: criteria provided, single submitter. Criteria: GeneDx Variant Classification Process June 2021. Collection method: clinical testing. Allele origin: germline. Affected: yes.
Comment: Not observed at significant frequency in large population cohorts (gnomAD); Missense variant in a gene in which most reported pathogenic variants are truncating/loss of function; Has not been previously published as pathogenic or benign to our knowledge

NM_001267550.2(TTN):c.18677C>T (p.Pro6226Leu)

Genes: TTN (titin; minus strand), LOC126806430 (BRD4-independent group 4 enhancer GRCh37_chr2:179593794-179594993; plus strand). Cytogenetic location: 2q31.2.
Variant type: single nucleotide variant.
Coding change: c.18677C>T on transcript NM_001267550.2 (MANE Select); coding-DNA position 18677, C replaced by T.
Protein change: p.Pro6226Leu; replaces proline 6226 with leucine.
Molecular consequence: missense variant. On other transcripts: intron variant (3).
Genome position (GRCh38, 1-based): chr2:178,729,479, G>A on the plus strand (C>T on the coding strand, the complement: TTN is on the minus strand). VCF-style: chr2-178729479-G-A. GRCh37 (hg19) VCF-style: chr2-179594206-G-A.
Other names: c.13657+8603C>T (NM_133432.3); c.13282+8603C>T (NM_003319.4); c.13858+8603C>T (NM_133437.4); c.17726C>T, p.Pro5909Leu (NM_001256850.1); c.14945C>T, p.Pro4982Leu (NM_133378.4); short protein forms P6226L, P5909L, P4982L.
Identifiers: ClinVar variation 4795270 (VCV004795270.1).
Genomic context (GRCh38, chr2:178,729,479, plus strand): 5'-GTGTATTTTTTGCTGCTTCGAATTTCCCTGTTATTCTTCAGCCAAGTGACTTCAAACGGA[G>A]GTGTTCCCGTAACTTCACACTCCAGCTCCACGTCACTATATTTTACTACCTCCACAGGCT-3'
Protein context (NP_001254479.2, residues 6216-6236): VELECEVTGT[Pro6226Leu]PFEVTWLKNN